The following is an entry in ClinVar:

NM_007103.4(NDUFV1):c.262C>T (p.Arg88Cys)

Gene: NDUFV1 (NADH:ubiquinone oxidoreductase core subunit V1; plus strand). Cytogenetic location: 11q13.2.
Variant type: single nucleotide variant.
Coding change: c.262C>T on transcript NM_007103.4 (MANE Select); coding-DNA position 262, C replaced by T.
Protein change: p.Arg88Cys; replaces arginine 88 with cysteine.
Molecular consequence: missense variant.
Genome position (GRCh38, 1-based): chr11:67,608,658, C>T. VCF-style: chr11-67608658-C-T. GRCh37 (hg19) VCF-style: chr11-67376129-C-T.
Other names: c.235C>T, p.Arg79Cys (NM_001166102.2); short protein forms R88C, R79C.
Identifiers: ClinVar variation 430090 (VCV000430090.3), dbSNP rs138526825, ClinGen allele CA224178964.

ClinVar aggregate classification (germline): Uncertain significance. Review status: criteria provided, multiple submitters, no conflicts (2 of 4 stars). 2 submissions from 2 submitters: Uncertain significance (2). Last evaluated 2024-06-18.

Conditions:
Mitochondrial complex I deficiency, nuclear type 4. Also called: Mitochondrial complex 1 deficiency, nuclear type 4. Identifiers: MedGen C4748753, MONDO:0032609, OMIM 618225.

Allele frequency attached by ClinVar (database versions not stated): gnomAD 0.00001; TOPMed 0.00002.

Submissions (2):

3billion
Classification: Uncertain significance for Mitochondrial complex I deficiency, nuclear type 4. Last evaluated: 2024-06-18. Review status: criteria provided, single submitter. Criteria: ACMG Guidelines, 2015. Collection method: clinical testing. Allele origin: germline. Affected: yes.
Comment: The variant is observed at an extremely low frequency in the gnomAD v4.0.0 dataset (total allele frequency: <0.001%). Predicted Consequence/Location: Missense variant In silico tool predictions suggest damaging effect of the variant on gene or gene product [REVEL: 0.81 (>=0.6, sensitivity 0.68 and specificity 0.92)]. A different missense change at the same codon (p.Arg88Gly) has been reported to be associated with NDUFV1 related disorder (PMID: 23266820). However the evidence of pathogenicity is insufficient at this time. Therefore, this variant is classified as VUS according to the recommendation of ACMG/AMP guideline.

GeneDx
Classification: Uncertain significance. Last evaluated: 2017-05-18. Review status: criteria provided, single submitter. Criteria: GeneDx Variant Classification (06012015). Collection method: clinical testing. Allele origin: germline. Affected: yes.
Comment: The R88C variant in the NDUFV1 gene has not been reported previously as a pathogenic variant, nor as a benign variant, to our knowledge. The R88C variant is not observed in large population cohorts (Lek et al., 2016; 1000 Genomes Consortium et al., 2015; Exome Variant Server). The R88C variant is a non-conservative amino acid substitution, which is likely to impact secondary protein structure as these residues differ in polarity, charge, size and/or other properties. This substitution occurs at a position that is conserved across species, and in silico analysis predicts this variant is probably damaging to the protein structure/function. We interpret R88C as a variant of uncertain significance.

Literature cited by the submitters: PubMed 23266820 (cited by 3billion).